The following is an entry in ClinVar:

NM_003954.5(MAP3K14):c.1190T>C (p.Val397Ala)

Gene: MAP3K14 (mitogen-activated protein kinase kinase kinase 14; minus strand). Cytogenetic location: 17q21.31.
Variant type: single nucleotide variant.
Coding change: c.1190T>C on transcript NM_003954.5 (MANE Select); coding-DNA position 1190, T replaced by C.
Protein change: p.Val397Ala; replaces valine 397 with alanine.
Molecular consequence: missense variant.
Genome position (GRCh38, 1-based): chr17:45,284,912, A>G on the plus strand (T>C on the coding strand, the complement: MAP3K14 is on the minus strand). VCF-style: chr17-45284912-A-G. GRCh37 (hg19) VCF-style: chr17-43362279-A-G.
Other names: short protein forms V397A.
Identifiers: ClinVar variation 945831 (VCV000945831.6), dbSNP rs371103552, ClinGen allele CA8614197.

ClinVar aggregate classification (germline): Uncertain significance. Review status: criteria provided, multiple submitters, no conflicts (2 of 4 stars). 2 submissions from 2 submitters: Uncertain significance (2). Last evaluated 2023-09-26.

Conditions:
NIK deficiency. Also called: Primary immunodeficiency with multifaceted aberrant lymphoid immunity. Identifiers: Orphanet 447731, MedGen C5680065, MONDO:0018642.

Allele frequency attached by ClinVar (database versions not stated): gnomAD exomes 0.00006 and 0.00019; gnomAD 0.00007 and 0.00013; ESP Exome Variant Server 0.00008; TOPMed 0.00008; ExAC 0.00039; 1000 Genomes Project 30x 0.00047; 1000 Genomes Project 0.00060.
gnomAD v4.1: 133 of 1,554,828 alleles (0.0086%); highest among the groups gnomAD compares: South Asian, 0.072%; 1 homozygote.

Submissions (2):

Blueprint Genetics
Classification: Uncertain significance. Last evaluated: 2023-09-26. Review status: criteria provided, single submitter. Criteria: ACMG Guidelines, 2015. Collection method: clinical testing. Allele origin: germline.

Labcorp Genetics (formerly Invitae), Labcorp
Classification: Uncertain significance for NIK deficiency. Last evaluated: 2022-08-09. Review status: criteria provided, single submitter. Criteria: Invitae Variant Classification Sherloc (09022015). Collection method: clinical testing. Allele origin: germline.
Comment: This sequence change replaces valine, which is neutral and non-polar, with alanine, which is neutral and non-polar, at codon 397 of the MAP3K14 protein (p.Val397Ala). This variant is present in population databases (rs371103552, gnomAD 0.1%). This variant has not been reported in the literature in individuals affected with MAP3K14-related conditions. ClinVar contains an entry for this variant (Variation ID: 945831). Experimental studies and prediction algorithms are not available or were not evaluated, and the functional significance of this variant is currently unknown. In summary, the available evidence is currently insufficient to determine the role of this variant in disease. Therefore, it has been classified as a Variant of Uncertain Significance.